The following is an entry in ClinVar:

NM_015557.3(CHD5):c.4572C>A (p.Tyr1524Ter)

Gene: CHD5 (chromodomain helicase DNA binding protein 5; minus strand). Cytogenetic location: 1p36.31.
Variant type: single nucleotide variant.
Coding change: c.4572C>A on transcript NM_015557.3 (MANE Select); coding-DNA position 4572, C replaced by A.
Protein change: p.Tyr1524Ter; replaces tyrosine 1524 with a stop codon.
Molecular consequence: nonsense.
Genome position (GRCh38, 1-based): chr1:6,124,075, G>T on the plus strand (C>A on the coding strand, the complement: CHD5 is on the minus strand). VCF-style: chr1-6124075-G-T. GRCh37 (hg19) VCF-style: chr1-6184135-G-T.
Other names: short protein forms Y1524*.
Identifiers: ClinVar variation 2444409 (VCV002444409.1), dbSNP rs2525363379, ClinGen allele CA338071476.

ClinVar aggregate classification (germline): Likely pathogenic (1 of 4 stars; one submission).

Conditions:
Parenti-mignot neurodevelopmental syndrome. Identifiers: MedGen C5676984, MONDO:0859249, OMIM 619873.

Submission:

3billion
Classification: Likely pathogenic for Parenti-mignot neurodevelopmental syndrome. Last evaluated: 2023-02-23. Review status: criteria provided, single submitter. Criteria: ACMG Guidelines, 2015. Collection method: clinical testing. Allele origin: unknown. Affected: yes.
Comment: The variant is not observed in the gnomAD v2.1.1 dataset. This variant was predicted to result in a loss or disruption of normal protein function through nonsense-mediated decay (NMD) or protein truncation. Multiple pathogenic variants are reported downstream of the variant. Therefore, this variant is classified as Likely pathogenic according to the recommendation of ACMG/AMP guideline.